The following is an entry in ClinVar:

NM_001365536.1(SCN9A):c.4841T>C (p.Leu1614Pro)

Genes: SCN1A-AS1 (SCN1A and SCN9A antisense RNA 1; plus strand), SCN9A (sodium voltage-gated channel alpha subunit 9; minus strand). Cytogenetic location: 2q24.3.
Variant type: single nucleotide variant.
Coding change: c.4841T>C on transcript NM_001365536.1 (MANE Select); coding-DNA position 4841, T replaced by C.
Protein change: p.Leu1614Pro; replaces leucine 1614 with proline.
Molecular consequence: missense variant. On other transcripts: non-coding transcript variant (1).
Genome position (GRCh38, 1-based): chr2:166,199,798, A>G on the plus strand (T>C on the coding strand, the complement: SCN9A is on the minus strand). VCF-style: chr2-166199798-A-G. GRCh37 (hg19) VCF-style: chr2-167056308-A-G.
Other names: c.4808T>C, p.Leu1603Pro (NM_002977.4); short protein forms L1603P, L1614P.
Identifiers: ClinVar variation 4875134 (VCV004875134.2).

ClinVar aggregate classification (germline): Uncertain significance (1 of 4 stars; one submission).

Submission:

CeGaT Center for Human Genetics Tuebingen
Classification: Uncertain significance. Last evaluated: 2026-06-01. Review status: criteria provided, single submitter. Criteria: CeGaT Center For Human Genetics Tuebingen Variant Classification Criteria Version 2. Collection method: clinical testing. Allele origin: germline. Affected: yes. Observed: 1 variant allele.
Comment: SCN9A: PM2, PP3